The following is an entry in ClinVar:

ClinVar aggregate classification (germline): Pathogenic. Review status: criteria provided, multiple submitters, no conflicts (2 of 4 stars). 2 submissions from 2 submitters: Pathogenic (2). Last evaluated 2025-07-16.

Conditions:
Osteogenesis imperfecta with normal sclerae, dominant form (OI4). Also called: OSTEOGENESIS IMPERFECTA WITH NORMAL SCLERAE; Osteogenesis imperfecta type 4; Common Variable Osteogenesis Imperfecta with Normal Sclerae; OSTEOGENESIS IMPERFECTA, TYPE IV, WITH DENTINOGENESIS IMPERFECTA; Osteogenesis Imperfecta Type IV. Identifiers: Orphanet 216820, Orphanet 666, MedGen C0268363, MONDO:0008148, OMIM 166220.

Submissions (2):

Clinical Biomedical Laboratory, Shriners Hospital For Children - Canada
Classification: Pathogenic for Osteogenesis imperfecta with normal sclerae, dominant form. Last evaluated: 2025-07-16. Review status: criteria provided, single submitter. Criteria: ACMG Guidelines, 2015. Collection method: clinical testing. Allele origin: germline. Affected: yes.
Comment: This variant is predicted to substitute a glycine residue by a cysteine residue in the alpha 2 chain of collagen type I. Glycine substitutions in the triple helical domain of collagen type I cause disruption in the formation of the triple helix in the collagen molecule and are a typical cause of osteogenesis imperfecta. This variant is absent from the Genome Aggregation Database v.2.1.1, indicating it is very rare. This variant has been reported in the literature as a cause of osteogenesis imperfecta (PMID: 17078022). Prediction tools (REVEL: 0.96) suggest that the change is detrimental to protein function.

GeneDx
Classification: Pathogenic. Last evaluated: 2022-02-15. Review status: criteria provided, single submitter. Criteria: GeneDx Variant Classification Process June 2021. Collection method: clinical testing. Allele origin: germline. Affected: yes.
Comment: Occurs in the triple helical domain and replaces the glycine in the canonical Gly-X-Y repeat; missense substitution of a canonical glycine residue is expected to disrupt normal protein folding and function, and this is an established mechanism of disease (HGMD); Not observed at significant frequency in large population cohorts (gnomAD); In silico analysis supports that this missense variant has a deleterious effect on protein structure/function; This variant is associated with the following publications: (PMID: 17078022)

Literature cited by the submitters: PubMed 17078022 (cited by Clinical Biomedical Laboratory, Shriners Hospital For Children - Canada).

NM_000089.4(COL1A2):c.2809G>T (p.Gly937Cys)

Gene: COL1A2 (collagen type I alpha 2 chain; plus strand). Cytogenetic location: 7q21.3.
Variant type: single nucleotide variant.
Coding change: c.2809G>T on transcript NM_000089.4 (MANE Select); coding-DNA position 2809, G replaced by T.
Protein change: p.Gly937Cys; replaces glycine 937 with cysteine.
Molecular consequence: missense variant.
Genome position (GRCh38, 1-based): chr7:94,425,637, G>T. VCF-style: chr7-94425637-G-T. GRCh37 (hg19) VCF-style: chr7-94054949-G-T.
Other names: short protein forms G937C.
Identifiers: ClinVar variation 1699550 (VCV001699550.3), dbSNP rs72659309, ClinGen allele CA162939753.